The following is an entry in ClinVar:

NM_003491.4(NAA10):c.149G>T (p.Gly50Val)

Gene: NAA10 (N-alpha-acetyltransferase 10, NatA catalytic subunit; minus strand). Cytogenetic location: Xq28.
Variant type: single nucleotide variant.
Coding change: c.149G>T on transcript NM_003491.4 (MANE Select); coding-DNA position 149, G replaced by T.
Protein change: p.Gly50Val; replaces glycine 50 with valine.
Molecular consequence: missense variant.
Genome position (GRCh38, 1-based): chrX:153,933,973, C>A on the plus strand (G>T on the coding strand, the complement: NAA10 is on the minus strand). VCF-style: chrX-153933973-C-A. GRCh37 (hg19) VCF-style: chrX-153199426-C-A.
Other names: c.149G>T, p.Gly50Val (NM_001256120.2, NM_001256119.2); short protein forms G50V.
Identifiers: ClinVar variation 1715082 (VCV001715082.6), dbSNP rs781795806, ClinGen allele CA337278217.

ClinVar aggregate classification (germline): Uncertain significance (1 of 4 stars; one submission).

Allele frequency attached by ClinVar (database versions not stated): gnomAD exomes 0.00001.
gnomAD v4.1: 8 of 1,211,181 alleles (0.00066%); highest among the groups gnomAD compares: Non-Finnish European, 0.00089%; no homozygotes.

Submissions (7):

Labcorp Genetics (formerly Invitae), Labcorp
Classification: Uncertain significance. Last evaluated: 2022-07-15. Review status: criteria provided, single submitter. Criteria: Invitae Variant Classification Sherloc (09022015). Collection method: clinical testing. Allele origin: germline.
Comment: This sequence change replaces glycine, which is neutral and non-polar, with valine, which is neutral and non-polar, at codon 50 of the NAA10 protein (p.Gly50Val). This variant is present in population databases (rs781795806, gnomAD 0.001%), including at least one homozygous and/or hemizygous individual. This variant has not been reported in the literature in individuals affected with NAA10-related conditions. Algorithms developed to predict the effect of missense changes on protein structure and function are either unavailable or do not agree on the potential impact of this missense change (SIFT: "Deleterious"; PolyPhen-2: "Probably Damaging"; Align-GVGD: "Class C15"). In summary, the available evidence is currently insufficient to determine the role of this variant in disease. Therefore, it has been classified as a Variant of Uncertain Significance.

Dr. Peter K. Rogan Lab, Western University
No classification provided (evidence only). Condition: Thyroid cancer, nonmedullary, 1. Review status: no classification provided. Collection method: in vitro. Allele origin: not applicable. Functional consequence: skipped exon. Not counted in ClinVar's aggregate classification.

Dr. Peter K. Rogan Lab, Western University
No classification provided (evidence only). Condition: Thyroid cancer, nonmedullary, 1. Review status: no classification provided. Collection method: in vitro. Allele origin: not applicable. Functional consequence: skipped exon. Not counted in ClinVar's aggregate classification.

Dr. Peter K. Rogan Lab, Western University
No classification provided (evidence only). Condition: Thyroid cancer, nonmedullary, 1. Review status: no classification provided. Collection method: in vitro. Allele origin: not applicable. Functional consequence: retained intron. Not counted in ClinVar's aggregate classification.

Dr. Peter K. Rogan Lab, Western University
No classification provided (evidence only). Condition: Thyroid cancer, nonmedullary, 1. Review status: no classification provided. Collection method: in vitro. Allele origin: not applicable. Functional consequence: retained intron. Not counted in ClinVar's aggregate classification.

Dr. Peter K. Rogan Lab, Western University
No classification provided (evidence only). Condition: Thyroid cancer, nonmedullary, 1. Review status: no classification provided. Collection method: in vitro. Allele origin: not applicable. Functional consequence: skipped exon. Not counted in ClinVar's aggregate classification.

Dr. Peter K. Rogan Lab, Western University
No classification provided (evidence only). Condition: Thyroid cancer, nonmedullary, 1. Review status: no classification provided. Collection method: in vitro. Allele origin: not applicable. Functional consequence: retained intron. Not counted in ClinVar's aggregate classification.